The following is an entry in ClinVar:

ClinVar aggregate classification (germline): Conflicting classifications of pathogenicity. Review status: criteria provided, conflicting classifications (1 of 4 stars). 2 submissions from 2 submitters: Uncertain significance (1); Likely benign (1). Last evaluated 2026-04-29.

Conditions:
Cardiovascular phenotype. Identifiers: MedGen CN230736.

Allele frequency attached by ClinVar (database versions not stated): gnomAD exomes below 0.00001.
gnomAD v4.1: 1 of 1,614,112 alleles (0.000062%); highest among the groups gnomAD compares: Non-Finnish European, 0.000085%; no homozygotes.

Submissions (2):

Ambry Genetics
Classification: Likely benign for Cardiovascular phenotype. Last evaluated: 2026-04-29. Review status: criteria provided, single submitter. Criteria: Ambry Variant Classification Scheme 2023. Collection method: clinical testing. Allele origin: germline.

GeneDx
Classification: Uncertain significance. Last evaluated: 2017-02-16. Review status: criteria provided, single submitter. Criteria: GeneDx Variant Classification (06012015). Collection method: clinical testing. Allele origin: germline. Affected: yes.
Comment: The A847T variant has not been published as pathogenic or been reported as benign to our knowledge. It is not observed in large population cohorts (Lek et al., 2016; 1000 Genomes Consortium et al., 2015; Exome Variant Server). The A847T variant is a non-conservative amino acid substitution, which is likely to impact secondary protein structure as these residues differ in polarity, charge, size and/or other properties. In addition, this substitution occurs at a position that is conserved through mammals. Nonetheless, in silico analysis is inconsistent in its predictions as to whether or not the variant is damaging to the protein structure/function.

NM_001103.4(ACTN2):c.2539G>A (p.Ala847Thr)

Gene: ACTN2 (actinin alpha 2; plus strand). Cytogenetic location: 1q43.
Variant type: single nucleotide variant.
Coding change: c.2539G>A on transcript NM_001103.4 (MANE Select); coding-DNA position 2539, G replaced by A.
Protein change: p.Ala847Thr; replaces alanine 847 with threonine.
Molecular consequence: missense variant.
Genome position (GRCh38, 1-based): chr1:236,762,473, G>A. VCF-style: chr1-236762473-G-A. GRCh37 (hg19) VCF-style: chr1-236925773-G-A.
Other names: c.2539G>A, p.Ala847Thr (NM_001278343.2); c.1915G>A, p.Ala639Thr (NM_001278344.2); short protein forms A847T, A639T.
Identifiers: ClinVar variation 423735 (VCV000423735.3), dbSNP rs1064796605, ClinGen allele CA16617092.